The following is an entry in ClinVar:

NM_025009.5(CEP135):c.3116C>T (p.Thr1039Ile)

Gene: CEP135 (centrosomal protein 135; plus strand). Cytogenetic location: 4q12.
Variant type: single nucleotide variant.
Coding change: c.3116C>T on transcript NM_025009.5 (MANE Select); coding-DNA position 3116, C replaced by T.
Protein change: p.Thr1039Ile; replaces threonine 1039 with isoleucine.
Molecular consequence: missense variant.
Genome position (GRCh38, 1-based): chr4:56,019,456, C>T. VCF-style: chr4-56019456-C-T. GRCh37 (hg19) VCF-style: chr4-56885622-C-T.
Other names: c.3116C>T (NM_025009.3); short protein forms T1039I.
Identifiers: ClinVar variation 1402390 (VCV001402390.10), dbSNP rs771674558, ClinGen allele CA2928333.

ClinVar aggregate classification (germline): Uncertain significance. Review status: criteria provided, multiple submitters, no conflicts (2 of 4 stars). 2 submissions from 2 submitters: Uncertain significance (2). Last evaluated 2025-05-20.

Conditions:
Inborn genetic diseases. Identifiers: MedGen C0950123, MeSH D030342.

Allele frequency attached by ClinVar (database versions not stated): gnomAD exomes 0.00001; ExAC 0.00002; gnomAD 0.00003; TOPMed 0.00003.
gnomAD v4.1: 15 of 1,613,728 alleles (0.00093%); highest among the groups gnomAD compares: Middle Eastern, 0.017%; no homozygotes.

Submissions (2):

Ambry Genetics
Classification: Uncertain significance for Inborn genetic diseases. Last evaluated: 2025-05-20. Review status: criteria provided, single submitter. Criteria: Ambry Variant Classification Scheme 2023. Collection method: clinical testing. Allele origin: germline.

Labcorp Genetics (formerly Invitae), Labcorp
Classification: Uncertain significance. Last evaluated: 2024-04-29. Review status: criteria provided, single submitter. Criteria: Invitae Variant Classification Sherloc (09022015). Collection method: clinical testing. Allele origin: germline.
Comment: This sequence change replaces threonine, which is neutral and polar, with isoleucine, which is neutral and non-polar, at codon 1039 of the CEP135 protein (p.Thr1039Ile). This variant is present in population databases (rs771674558, gnomAD 0.01%). This variant has not been reported in the literature in individuals affected with CEP135-related conditions. ClinVar contains an entry for this variant (Variation ID: 1402390). An algorithm developed to predict the effect of missense changes on protein structure and function (PolyPhen-2) suggests that this variant is likely to be tolerated. In summary, the available evidence is currently insufficient to determine the role of this variant in disease. Therefore, it has been classified as a Variant of Uncertain Significance.